The following is an entry in ClinVar:

NM_007294.4(BRCA1):c.2189A>G (p.Glu730Gly)

Gene: BRCA1 (BRCA1 DNA repair associated; minus strand). Cytogenetic location: 17q21.31.
Variant type: single nucleotide variant.
Coding change: c.2189A>G on transcript NM_007294.4 (MANE Select); coding-DNA position 2189, A replaced by G.
Protein change: p.Glu730Gly; replaces glutamic acid 730 with glycine.
Molecular consequence: missense variant. On other transcripts: intron variant (137).
Genome position (GRCh38, 1-based): chr17:43,093,342, T>C on the plus strand (A>G on the coding strand, the complement: BRCA1 is on the minus strand). VCF-style: chr17-43093342-T-C. GRCh37 (hg19) VCF-style: chr17-41245359-T-C.
Other names: c.2108A>G, p.Glu703Gly (NM_001407661.1, NM_001407662.1, NM_001407659.1 and 1 more transcripts); c.2111A>G, p.Glu704Gly (NM_001407663.1, NM_001407653.1, NM_001407654.1 and 4 more transcripts); c.2066A>G, p.Glu689Gly (NM_001407664.1, NM_001407665.1, NM_001407666.1 and 19 more transcripts); c.709+1402A>G (NM_001408411.1, NM_001408415.1, NM_001408414.1 and 2 more transcripts); c.577+1402A>G (NM_001408514.1, NM_001408485.1, NM_001408483.1 and 9 more transcripts); c.661+1402A>G (NM_001408447.1, NM_001408433.1, NM_001408446.1 and 6 more transcripts); c.784+1402A>G (NM_001408400.1, NM_001408392.1, NM_001407986.1 and 13 more transcripts); c.664+1402A>G (NM_001408441.1, NM_001408437.1, NM_001408429.1 and 12 more transcripts); and 41 more; short protein forms E603G, E619G, E660G, E683G, E689G, E602G, E642G, E659G.
Identifiers: ClinVar variation 4826629 (VCV004826629.1).

ClinVar aggregate classification (germline): Uncertain significance (1 of 4 stars; one submission).

Conditions:
Hereditary cancer-predisposing syndrome. Also called: Neoplastic Syndromes, Hereditary; Tumor predisposition; Hereditary Cancer Syndrome; Hereditary neoplastic syndrome. Identifiers: Orphanet 140162, MedGen C0027672, MeSH D009386, MONDO:0015356.

Submission:

Ambry Genetics
Classification: Uncertain significance for Hereditary cancer-predisposing syndrome. Last evaluated: 2026-03-02. Review status: criteria provided, single submitter. Criteria: Ambry Variant Classification Scheme 2023. Collection method: clinical testing. Allele origin: germline.
Comment: The p.E730G variant (also known as c.2189A>G), located in coding exon 9 of the BRCA1 gene, results from an A to G substitution at nucleotide position 2189. The glutamic acid at codon 730 is replaced by glycine, an amino acid with similar properties. This amino acid position is not well conserved in available vertebrate species. In addition, this alteration is predicted to be tolerated by in silico analysis. Based on the available evidence, the clinical significance of this variant remains unclear.